The following is an entry in ClinVar:

ClinVar aggregate classification (germline): Uncertain significance (1 of 4 stars; one submission).

Conditions:
Early-infantile DEE. Also called: Early infantile epileptic encephalopathy; Early infantile epileptic encephalopathy with suppression bursts; Ohtahara syndrome. Identifiers: Orphanet 1934, MedGen C0393706, MONDO:0800491.

Submission:

Labcorp Genetics (formerly Invitae), Labcorp
Classification: Uncertain significance for Early-infantile DEE. Last evaluated: 2024-04-29. Review status: criteria provided, single submitter. Criteria: Invitae Variant Classification Sherloc (09022015). Collection method: clinical testing. Allele origin: germline.
Comment: This sequence change replaces isoleucine, which is neutral and non-polar, with valine, which is neutral and non-polar, at codon 129 of the SLC25A22 protein (p.Ile129Val). This variant is not present in population databases (gnomAD no frequency). This variant has not been reported in the literature in individuals affected with SLC25A22-related conditions. ClinVar contains an entry for this variant (Variation ID: 2103863). Advanced modeling of protein sequence and biophysical properties (such as structural, functional, and spatial information, amino acid conservation, physicochemical variation, residue mobility, and thermodynamic stability) performed at Invitae indicates that this missense variant is not expected to disrupt SLC25A22 protein function with a negative predictive value of 80%. In summary, the available evidence is currently insufficient to determine the role of this variant in disease. Therefore, it has been classified as a Variant of Uncertain Significance.

NM_001191061.2(SLC25A22):c.385A>G (p.Ile129Val)

Gene: SLC25A22 (solute carrier family 25 member 22; minus strand). Cytogenetic location: 11p15.5.
Variant type: single nucleotide variant.
Coding change: c.385A>G on transcript NM_001191061.2 (MANE Select); coding-DNA position 385, A replaced by G.
Protein change: p.Ile129Val; replaces isoleucine 129 with valine.
Molecular consequence: missense variant.
Genome position (GRCh38, 1-based): chr11:792,897, T>C on the plus strand (A>G on the coding strand, the complement: SLC25A22 is on the minus strand). VCF-style: chr11-792897-T-C. GRCh37 (hg19) VCF-style: chr11-792897-T-C.
Other names: c.385A>G, p.Ile129Val (NM_001191060.2, NM_024698.6); short protein forms I129V.
Identifiers: ClinVar variation 2103863 (VCV002103863.4), dbSNP rs2495010709, ClinGen allele CA378970674.